The following is an entry in ClinVar:

ClinVar aggregate classification (germline): Uncertain significance. Review status: criteria provided, multiple submitters, no conflicts (2 of 4 stars). 2 submissions from 2 submitters: Uncertain significance (2). Last evaluated 2024-09-19.

Conditions:
Combined immunodeficiency due to LRBA deficiency. Also called: Common variable immunodeficiency 8, with autoimmunity. Identifiers: Orphanet 445018, MedGen C3553512, MONDO:0013863, OMIM 614700.

Allele frequency attached by ClinVar (database versions not stated): TOPMed 0.00001.
gnomAD v4.1: 14 of 1,613,514 alleles (0.00087%); highest among the groups gnomAD compares: East Asian, 0.0067%; no homozygotes.

Submissions (2):

Labcorp Genetics (formerly Invitae), Labcorp
Classification: Uncertain significance for Combined immunodeficiency due to LRBA deficiency. Last evaluated: 2024-09-19. Review status: criteria provided, single submitter. Criteria: Invitae Variant Classification Sherloc (09022015). Collection method: clinical testing. Allele origin: germline.
Comment: This sequence change replaces arginine, which is basic and polar, with cysteine, which is neutral and slightly polar, at codon 2287 of the LRBA protein (p.Arg2287Cys). This variant is present in population databases (rs373106840, gnomAD 0.02%). This variant has not been reported in the literature in individuals affected with LRBA-related conditions. ClinVar contains an entry for this variant (Variation ID: 958999). Invitae Evidence Modeling of protein sequence and biophysical properties (such as structural, functional, and spatial information, amino acid conservation, physicochemical variation, residue mobility, and thermodynamic stability) has been performed for this missense variant. However, the output from this modeling did not meet the statistical confidence thresholds required to predict the impact of this variant on LRBA protein function. In summary, the available evidence is currently insufficient to determine the role of this variant in disease. Therefore, it has been classified as a Variant of Uncertain Significance.

Blueprint Genetics
Classification: Uncertain significance. Last evaluated: 2023-08-23. Review status: criteria provided, single submitter. Criteria: ACMG Guidelines, 2015. Collection method: clinical testing. Allele origin: germline.

NM_001364905.1(LRBA):c.6826C>T (p.Arg2276Cys)

Gene: LRBA (LPS responsive beige-like anchor protein; minus strand). Cytogenetic location: 4q31.3.
Variant type: single nucleotide variant.
Coding change: c.6826C>T on transcript NM_001364905.1 (MANE Select); coding-DNA position 6826, C replaced by T.
Protein change: p.Arg2276Cys; replaces arginine 2276 with cysteine.
Molecular consequence: missense variant.
Genome position (GRCh38, 1-based): chr4:150,436,819, G>A on the plus strand (C>T on the coding strand, the complement: LRBA is on the minus strand). VCF-style: chr4-150436819-G-A. GRCh37 (hg19) VCF-style: chr4-151357971-G-A.
Other names: c.6826C>T, p.Arg2276Cys (NM_001199282.3, NM_001367550.1); c.6859C>T, p.Arg2287Cys (NM_006726.5); short protein forms R2287C, R2276C.
Identifiers: ClinVar variation 958999 (VCV000958999.9), dbSNP rs373106840, ClinGen allele CA3101802.